The following is an entry in ClinVar:

NM_004817.4(TJP2):c.659G>A (p.Ser220Asn)

Gene: TJP2 (tight junction protein 2; plus strand). Cytogenetic location: 9q21.11.
Variant type: single nucleotide variant.
Coding change: c.659G>A on transcript NM_004817.4 (MANE Select); coding-DNA position 659, G replaced by A.
Protein change: p.Ser220Asn; replaces serine 220 with asparagine.
Molecular consequence: missense variant.
Genome position (GRCh38, 1-based): chr9:69,221,203, G>A. VCF-style: chr9-69221203-G-A. GRCh37 (hg19) VCF-style: chr9-71836119-G-A.
Other names: c.590G>A, p.Ser197Asn (NM_001170414.2, NM_001369870.1, NM_001369871.1); c.671G>A, p.Ser224Asn (NM_001170415.1, NM_001369874.1, NM_001369875.1); c.752G>A, p.Ser251Asn (NM_001170416.2); c.659G>A, p.Ser220Asn (NM_001369872.1, NM_001369873.1, NM_201629.3); short protein forms S197N, S251N, S220N, S224N.
Identifiers: ClinVar variation 2071582 (VCV002071582.4), dbSNP rs752106855, ClinGen allele CA5073063.

ClinVar aggregate classification (germline): Uncertain significance (1 of 4 stars; one submission).

Allele frequency attached by ClinVar (database versions not stated): TOPMed 0.00001; ExAC 0.00002.

Submission:

Labcorp Genetics (formerly Invitae), Labcorp
Classification: Uncertain significance. Last evaluated: 2022-03-09. Review status: criteria provided, single submitter. Criteria: Invitae Variant Classification Sherloc (09022015). Collection method: clinical testing. Allele origin: germline.
Comment: Algorithms developed to predict the effect of missense changes on protein structure and function are either unavailable or do not agree on the potential impact of this missense change (SIFT: "Deleterious"; PolyPhen-2: "Benign"; Align-GVGD: "Class C0"). This variant has not been reported in the literature in individuals affected with TJP2-related conditions. This variant is present in population databases (rs752106855, gnomAD 0.008%). This sequence change replaces serine, which is neutral and polar, with asparagine, which is neutral and polar, at codon 220 of the TJP2 protein (p.Ser220Asn). In summary, the available evidence is currently insufficient to determine the role of this variant in disease. Therefore, it has been classified as a Variant of Uncertain Significance.